The following is an entry in ClinVar:

ClinVar aggregate classification (germline): Pathogenic (1 of 4 stars; one submission).

Conditions:
TH-deficient dopa-responsive dystonia. Also called: Tyrosine Hydroxylase-Deficient Dopa-Responsive Dystonia; Segawa syndrome, autosomal recessive; DYT-TH. Identifiers: Orphanet 101150, MedGen C2673535, MONDO:0011551, OMIM 605407.

Submission:

Labcorp Genetics (formerly Invitae), Labcorp
Classification: Pathogenic for TH-deficient dopa-responsive dystonia. Last evaluated: 2022-05-27. Review status: criteria provided, single submitter. Criteria: Invitae Variant Classification Sherloc (09022015). Collection method: clinical testing. Allele origin: germline.
Comment: For these reasons, this variant has been classified as Pathogenic. This variant has not been reported in the literature in individuals affected with TH-related conditions. This variant is a gross deletion of the genomic region encompassing exon(s) 8-11 of the TH gene. This deletion is out-of-frame, and is expected to create a premature termination codon and result in an absent or disrupted protein product. Loss-of-function variants in TH are known to be pathogenic (PMID: 22264700, 24753243).

Literature cited by the submitters: PubMed 22264700; PubMed 24753243.

NC_000011.9:g.(?_2187222)_(2188272_?)del

Gene: TH (tyrosine hydroxylase; minus strand). Cytogenetic location: 11p15.5.
Variant type: Deletion.
Identifiers: ClinVar variation 2427668 (VCV002427668.4).